The following is an entry in ClinVar:

NM_015443.4(KANSL1):c.2985G>A (p.Pro995=)

Gene: KANSL1 (KAT8 regulatory NSL complex subunit 1). Cytogenetic location: 17q21.31.
Variant type: single nucleotide variant.
Coding change: c.2985G>A on transcript NM_015443.4 (MANE Select); coding-DNA position 2985, G replaced by A.
Protein change: p.Pro995=; no amino-acid change (proline 995 retained).
Molecular consequence: synonymous variant.
Genome position (GRCh38, 1-based): chr17:46,032,152, C>T on the plus strand (G>A on the coding strand, the complement: KANSL1 is on the minus strand). VCF-style: chr17-46032152-C-T. GRCh37 (hg19) VCF-style: chr17-44109518-C-T.
Other names: c.2982G>A, p.Pro994= (NM_001193465.2); c.2985G>A, p.Pro995= (NM_001193466.2, NM_001379198.1).
Identifiers: ClinVar variation 385906 (VCV000385906.6), dbSNP rs371484505, ClinGen allele CA8618408.

ClinVar aggregate classification (germline): Likely benign. Review status: criteria provided, multiple submitters, no conflicts (2 of 4 stars). 3 submissions from 3 submitters: Likely benign (3). Last evaluated 2025-01-14.

Conditions:
Koolen-de Vries syndrome (KDVS). Identifiers: Orphanet 96169, MedGen C1864871, MONDO:0012496, OMIM 610443.

Allele frequency attached by ClinVar (database versions not stated): ExAC 0.00002; gnomAD exomes 0.00002; gnomAD 0.00004 and 0.00005; ESP Exome Variant Server 0.00008; TOPMed 0.00009.
gnomAD v4.1: 27 of 1,613,854 alleles (0.0017%); highest among the groups gnomAD compares: Middle Eastern, 0.016%; no homozygotes.

Submissions (3):

Labcorp Genetics (formerly Invitae), Labcorp
Classification: Likely benign for Koolen-de Vries syndrome. Last evaluated: 2025-01-14. Review status: criteria provided, single submitter. Criteria: Invitae Variant Classification Sherloc (09022015). Collection method: clinical testing. Allele origin: germline.

Fulgent Genetics
Classification: Likely benign for Koolen-de Vries syndrome. Last evaluated: 2021-10-23. Review status: criteria provided, single submitter. Criteria: ACMG Guidelines, 2015. Collection method: clinical testing. Allele origin: unknown.

GeneDx
Classification: Likely benign. Last evaluated: 2016-05-11. Review status: criteria provided, single submitter. Criteria: GeneDx Variant Classification (06012015). Collection method: clinical testing. Allele origin: germline. Affected: yes.
Comment: This variant is considered likely benign or benign based on one or more of the following criteria: it is a conservative change, it occurs at a poorly conserved position in the protein, it is predicted to be benign by multiple in silico algorithms, and/or has population frequency not consistent with disease.